The following is an entry in ClinVar:

ClinVar aggregate classification (germline): Uncertain significance. Review status: criteria provided, single submitter (1 of 4 stars). 2 submissions from 2 submitters: Uncertain significance (1). 1 of the submissions does not count toward it. Last evaluated 2025-10-18.

Conditions:
Teratoma. Identifiers: MedGen C0039538, MONDO:0002601, HP:0009792.

Allele frequency attached by ClinVar (database versions not stated): gnomAD 0.00001; ExAC 0.00001; 1000 Genomes Project 30x 0.00016; 1000 Genomes Project 0.00020.

Submissions (2):

Labcorp Genetics (formerly Invitae), Labcorp
Classification: Uncertain significance. Last evaluated: 2025-10-18. Review status: criteria provided, single submitter. Criteria: Invitae Variant Classification Sherloc (09022015). Collection method: clinical testing. Allele origin: germline.
Comment: This sequence change replaces glycine, which is neutral and non-polar, with serine, which is neutral and polar, at codon 496 of the IKZF1 protein (p.Gly496Ser). This variant is present in population databases (rs548117828, gnomAD 0.003%). This variant has not been reported in the literature in individuals affected with IKZF1-related conditions. ClinVar contains an entry for this variant (Variation ID: 2498250). An algorithm developed to predict the effect of missense changes on protein structure and function (PolyPhen-2) suggests that this variant is likely to be disruptive. In summary, the available evidence is currently insufficient to determine the role of this variant in disease. Therefore, it has been classified as a Variant of Uncertain Significance.

Molecular ImmunoRheumatology UMRS_1109, Institut national de la santé et de la recherche médicale
Classification: Uncertain significance for Teratoma. Last evaluated: 2023-01-01. Review status: no assertion criteria provided. Collection method: research. Allele origin: somatic. Affected: yes. Not counted in ClinVar's aggregate classification.

NM_006060.6(IKZF1):c.1486G>A (p.Gly496Ser)

Gene: IKZF1 (IKAROS family zinc finger 1; plus strand). Cytogenetic location: 7p12.2.
Variant type: single nucleotide variant.
Coding change: c.1486G>A on transcript NM_006060.6 (MANE Select); coding-DNA position 1486, G replaced by A.
Protein change: p.Gly496Ser; replaces glycine 496 with serine.
Molecular consequence: missense variant.
Genome position (GRCh38, 1-based): chr7:50,400,553, G>A. VCF-style: chr7-50400553-G-A. GRCh37 (hg19) VCF-style: chr7-50468251-G-A.
Other names: c.1360G>A, p.Gly454Ser (NM_001220765.3, NM_001291837.2); c.1195G>A, p.Gly399Ser (NM_001220767.2); c.1225G>A, p.Gly409Ser (NM_001220768.2, NM_001291838.2); c.1069G>A, p.Gly357Ser (NM_001220770.2); c.1057G>A, p.Gly353Ser (NM_001220771.2, NM_001291841.1); c.1099G>A, p.Gly367Ser (NM_001291839.2); c.796G>A, p.Gly266Ser (NM_001291840.1); c.1027G>A, p.Gly343Ser (NM_001291842.1); and 3 more; short protein forms G266S, G301S, G311S, G343S, G353S, G357S, G367S, G399S.
Identifiers: ClinVar variation 2498250 (VCV002498250.2), dbSNP rs548117828, ClinGen allele CA4261527.